The following is an entry in ClinVar:

NM_022552.5(DNMT3A):c.640-10G>A

Gene: DNMT3A (DNA methyltransferase 3 alpha; minus strand). Cytogenetic location: 2p23.3.
Variant type: single nucleotide variant.
Coding change: c.640-10G>A on transcript NM_022552.5 (MANE Select); 10 bases into the intron before coding-DNA position 640, G replaced by A.
Molecular consequence: intron variant.
Genome position (GRCh38, 1-based): chr2:25,248,262, C>T on the plus strand (G>A on the coding strand, the complement: DNMT3A is on the minus strand). VCF-style: chr2-25248262-C-T. GRCh37 (hg19) VCF-style: chr2-25471131-C-T.
Other names: c.640-10G>A (NM_175629.2); c.73-10G>A (NM_153759.3); c.184-10G>A (NM_001320893.1); c.-30-10G>A (NM_001375819.1).
Identifiers: ClinVar variation 4985691 (VCV004985691.1).
Genomic context (GRCh38, chr2:25,248,262, plus strand): 5'-GTTTTCTTCCACAGCATTCATTCCTGCAATGACCTTGGCTTTCTTCTCAGCCTGGGGAAA[C>T]AAAAAACAAAAAGTCACCTTGACCTCTCCAGGAATTAGCAAGGCCACCTGACACTCAAGG-3'

ClinVar aggregate classification (germline): Likely benign (1 of 4 stars; one submission).

Conditions:
DNMT3A-related disorder. Also called: DNMT3A-related disorders; DNMT3A-related condition.

gnomAD v4.1: 1 of 1,607,358 alleles (0.000062%); highest among the groups gnomAD compares: Non-Finnish European, 0.000085%; no homozygotes.

Submission:

PreventionGenetics, part of Exact Sciences
Classification: Likely benign for DNMT3A-related condition. Last evaluated: 2025-04-16. Review status: criteria provided, single submitter. Criteria: ACMG Guidelines, 2015. Collection method: clinical testing. Allele origin: germline.
Comment: This variant is classified as likely benign based on ACMG/AMP sequence variant interpretation guidelines (Richards et al. 2015 PMID: 25741868, with internal and published modifications).